The following is an entry in ClinVar:

ClinVar aggregate classification (germline): Likely benign (0 of 4 stars; one submission).

Conditions:
VPS13B-related disorder. Also called: VPS13B-related condition.

gnomAD v4.1: 3 of 1,613,982 alleles (0.00019%); highest among the groups gnomAD compares: Non-Finnish European, 0.00025%; no homozygotes.

Submission:

PreventionGenetics, part of Exact Sciences
Classification: Likely benign for VPS13B-related condition. Last evaluated: 2024-07-18. Review status: no assertion criteria provided. Collection method: clinical testing. Allele origin: germline.
Comment: This variant is classified as likely benign based on ACMG/AMP sequence variant interpretation guidelines (Richards et al. 2015 PMID: 25741868, with internal and published modifications).

NM_152564.5(VPS13B):c.6177C>T (p.Ala2059=)

Gene: VPS13B (vacuolar protein sorting 13 homolog B; plus strand). Cytogenetic location: 8q22.2.
Variant type: single nucleotide variant.
Coding change: c.6177C>T on transcript NM_152564.5 (MANE Select); coding-DNA position 6177, C replaced by T.
Protein change: p.Ala2059=; no amino-acid change (alanine 2059 retained).
Molecular consequence: synonymous variant.
Genome position (GRCh38, 1-based): chr8:99,699,655, C>T. VCF-style: chr8-99699655-C-T. GRCh37 (hg19) VCF-style: chr8-100711883-C-T.
Other names: c.6252C>T, p.Ala2084= (NM_017890.5).
Identifiers: ClinVar variation 3345167 (VCV003345167.1).
Genomic context (GRCh38, chr8:99,699,655, plus strand): 5'-CCTTTTTTTAAAGAAGATAAAAAATGCACACAGTTTGGCACATAGTGAAGAGACTTCAGC[C>T]ATGTCCAACACCATGGTGAATAAGGATGATCTTCCAGTCTCCAAATATTACCGTGGAAAG-3'
Protein context (NP_689777.3, residues 2049-2069): HSLAHSEETS[Ala2059=]MSNTMVNKDD